The following is an entry in ClinVar:

ClinVar aggregate classification (germline): Uncertain significance (1 of 4 stars; one submission).

Conditions:
Inborn genetic diseases. Identifiers: MedGen C0950123, MeSH D030342.

Submission:

Ambry Genetics
Classification: Uncertain significance for Inborn genetic diseases. Last evaluated: 2025-06-21. Review status: criteria provided, single submitter. Criteria: Ambry Variant Classification Scheme 2023. Collection method: clinical testing. Allele origin: germline.
Comment: The p.E196A variant (also known as c.587A>C), located in coding exon 4 of the ANKRD26 gene, results from an A to C substitution at nucleotide position 587. The glutamic acid at codon 196 is replaced by alanine, an amino acid with dissimilar properties. This amino acid position is conserved. In addition, this alteration is predicted to be tolerated by in silico analysis. Based on the available evidence, the clinical significance of this variant remains unclear.

NM_014915.3(ANKRD26):c.587A>C (p.Glu196Ala)

Gene: ANKRD26 (ankyrin repeat domain containing 26; minus strand). Cytogenetic location: 10p12.1.
Variant type: single nucleotide variant.
Coding change: c.587A>C on transcript NM_014915.3 (MANE Select); coding-DNA position 587, A replaced by C.
Protein change: p.Glu196Ala; replaces glutamic acid 196 with alanine.
Molecular consequence: missense variant.
Genome position (GRCh38, 1-based): chr10:27,092,457, T>G on the plus strand (A>C on the coding strand, the complement: ANKRD26 is on the minus strand). VCF-style: chr10-27092457-T-G. GRCh37 (hg19) VCF-style: chr10-27381386-T-G.
Other names: c.587A>C, p.Glu196Ala (NM_001256053.2); short protein forms E196A.
Identifiers: ClinVar variation 4102849 (VCV004102849.1).